The following is an entry in ClinVar:

NM_005477.3(HCN4):c.3182C>G (p.Pro1061Arg)

Gene: HCN4 (hyperpolarization activated cyclic nucleotide gated potassium channel 4; minus strand). Cytogenetic location: 15q24.1.
Variant type: single nucleotide variant.
Coding change: c.3182C>G on transcript NM_005477.3 (MANE Select); coding-DNA position 3182, C replaced by G.
Protein change: p.Pro1061Arg; replaces proline 1061 with arginine.
Molecular consequence: missense variant.
Genome position (GRCh38, 1-based): chr15:73,322,911, G>C on the plus strand (C>G on the coding strand, the complement: HCN4 is on the minus strand). VCF-style: chr15-73322911-G-C. GRCh37 (hg19) VCF-style: chr15-73615252-G-C.
Other names: short protein forms P1061R.
Identifiers: ClinVar variation 1034860 (VCV001034860.8), dbSNP rs1010963303, ClinGen allele CA16622141.

ClinVar aggregate classification (germline): Uncertain significance (1 of 4 stars; one submission).

Conditions:
Brugada syndrome 8 (BRGDA8). Identifiers: Orphanet 130, MedGen C2751083, MONDO:0013148, OMIM 613123.

Allele frequency attached by ClinVar (database versions not stated): gnomAD 0.00001 and 0.00002; TOPMed 0.00001; 1000 Genomes Project 30x 0.00016.

Submission:

Labcorp Genetics (formerly Invitae), Labcorp
Classification: Uncertain significance for Brugada syndrome 8. Last evaluated: 2024-10-16. Review status: criteria provided, single submitter. Criteria: Invitae Variant Classification Sherloc (09022015). Collection method: clinical testing. Allele origin: germline.
Comment: This sequence change replaces proline, which is neutral and non-polar, with arginine, which is basic and polar, at codon 1061 of the HCN4 protein (p.Pro1061Arg). This variant is not present in population databases (gnomAD no frequency). This variant has not been reported in the literature in individuals affected with HCN4-related conditions. ClinVar contains an entry for this variant (Variation ID: 1034860). Invitae Evidence Modeling of protein sequence and biophysical properties (such as structural, functional, and spatial information, amino acid conservation, physicochemical variation, residue mobility, and thermodynamic stability) indicates that this missense variant is not expected to disrupt HCN4 protein function with a negative predictive value of 95%. In summary, the available evidence is currently insufficient to determine the role of this variant in disease. Therefore, it has been classified as a Variant of Uncertain Significance.